The following is an entry in ClinVar:

ClinVar aggregate classification (germline): Likely benign (1 of 4 stars; one submission).

Allele frequency attached by ClinVar (database versions not stated): ExAC 0.00007; 1000 Genomes Project 30x 0.00021; 1000 Genomes Project 0.00026.
gnomAD v4.1: 30 of 1,612,882 alleles (0.0019%); highest among the groups gnomAD compares: East Asian, 0.02%; no homozygotes.

Submission:

CeGaT Center for Human Genetics Tuebingen
Classification: Likely benign. Last evaluated: 2025-05-01. Review status: criteria provided, single submitter. Criteria: CeGaT Center For Human Genetics Tuebingen Variant Classification Criteria Version 2. Collection method: clinical testing. Allele origin: germline. Affected: yes. Observed: 1 variant allele.
Comment: VAMP7: BP4, BS2

NM_005638.6(VAMP7):c.585C>T (p.Ile195=)

Gene: VAMP7 (vesicle associated membrane protein 7; plus strand). Cytogenetic location: Xq28.
Variant type: single nucleotide variant.
Coding change: c.585C>T on transcript NM_005638.6 (MANE Select); coding-DNA position 585, C replaced by T.
Protein change: p.Ile195=; no amino-acid change (isoleucine 195 retained).
Molecular consequence: synonymous variant. On other transcripts: missense variant (1), non-coding transcript variant (2).
Genome position (GRCh38, 1-based): chrX:155,939,784, C>T. VCF-style: chrX-155939784-C-T. GRCh37 (hg19) VCF-style: chrX-155169448-C-T.
Other names: c.462C>T, p.Ile154= (NM_001145149.3); c.517C>T, p.Arg173Cys (NM_001185183.2); short protein forms R173C.
Identifiers: ClinVar variation 2571389 (VCV002571389.27), dbSNP rs138653672, ClinGen allele CA10569993.